The following is an entry in ClinVar:

NM_020987.5(ANK3):c.5465T>C (p.Val1822Ala)

Gene: ANK3 (ankyrin 3; minus strand). Cytogenetic location: 10q21.2.
Variant type: single nucleotide variant.
Coding change: c.5465T>C on transcript NM_020987.5 (MANE Select); coding-DNA position 5465, T replaced by C.
Protein change: p.Val1822Ala; replaces valine 1822 with alanine.
Molecular consequence: missense variant. On other transcripts: intron variant (4).
Genome position (GRCh38, 1-based): chr10:60,075,416, A>G on the plus strand (T>C on the coding strand, the complement: ANK3 is on the minus strand). VCF-style: chr10-60075416-A-G. GRCh37 (hg19) VCF-style: chr10-61835174-A-G.
Other names: c.4387+5121T>C (NM_001204403.2); c.4408+5121T>C (NM_001204404.2); c.4405+5121T>C (NM_001320874.2); c.1807+5121T>C (NM_001149.4); short protein forms V1822A.
Identifiers: ClinVar variation 1374110 (VCV001374110.6), dbSNP rs990923423, ClinGen allele CA207325696.

ClinVar aggregate classification (germline): Uncertain significance (1 of 4 stars; one submission).

Allele frequency attached by ClinVar (database versions not stated): gnomAD exomes below 0.00001; TOPMed below 0.00001; gnomAD 0.00001.
gnomAD v4.1: 4 of 1,613,486 alleles (0.00025%); highest among the groups gnomAD compares: Non-Finnish European, 0.00025%; no homozygotes.

Submission:

Labcorp Genetics (formerly Invitae), Labcorp
Classification: Uncertain significance. Last evaluated: 2024-10-23. Review status: criteria provided, single submitter. Criteria: Invitae Variant Classification Sherloc (09022015). Collection method: clinical testing. Allele origin: germline.
Comment: This sequence change replaces valine with alanine at codon 1822 of the ANK3 protein (p.Val1822Ala). The valine residue is moderately conserved and there is a small physicochemical difference between valine and alanine. This variant is present in population databases (no rsID available, gnomAD 0.007%). This variant has not been reported in the literature in individuals affected with ANK3-related conditions. ClinVar contains an entry for this variant (Variation ID: 1374110). Invitae Evidence Modeling of protein sequence and biophysical properties (such as structural, functional, and spatial information, amino acid conservation, physicochemical variation, residue mobility, and thermodynamic stability) indicates that this missense variant is expected to disrupt ANK3 protein function with a positive predictive value of 80%. In summary, the available evidence is currently insufficient to determine the role of this variant in disease. Therefore, it has been classified as a Variant of Uncertain Significance.